The following is an entry in ClinVar:

NM_020638.3(FGF23):c.61G>A (p.Val21Ile)

Gene: FGF23 (fibroblast growth factor 23; minus strand). Cytogenetic location: 12p13.32.
Variant type: single nucleotide variant.
Coding change: c.61G>A on transcript NM_020638.3 (MANE Select); coding-DNA position 61, G replaced by A.
Protein change: p.Val21Ile; replaces valine 21 with isoleucine.
Molecular consequence: missense variant.
Genome position (GRCh38, 1-based): chr12:4,379,522, C>T on the plus strand (G>A on the coding strand, the complement: FGF23 is on the minus strand). VCF-style: chr12-4379522-C-T. GRCh37 (hg19) VCF-style: chr12-4488688-C-T.
Other names: c.61G>A (NM_020638.2); short protein forms V21I.
Identifiers: ClinVar variation 3574586 (VCV003574586.4).

ClinVar aggregate classification (germline): Uncertain significance. Review status: criteria provided, multiple submitters, no conflicts (2 of 4 stars). 3 submissions from 3 submitters: Uncertain significance (3). Last evaluated 2025-11-08.

Conditions:
Autosomal dominant hypophosphatemic rickets (ADHR). Also called: HYPOPHOSPHATEMIA, AUTOSOMAL DOMINANT; VITAMIN D-RESISTANT RICKETS, AUTOSOMAL DOMINANT. Identifiers: Orphanet 89937, MedGen C0342642, MONDO:0008660, OMIM 193100.
Tumoral calcinosis, hyperphosphatemic, familial, 2. Identifiers: MedGen C4693863, MONDO:0060714, OMIM 617993.
Inborn genetic diseases. Identifiers: MedGen C0950123, MeSH D030342.

gnomAD v4.1: 36 of 1,612,450 alleles (0.0022%); highest among the groups gnomAD compares: East Asian, 0.0045%; no homozygotes.

Submissions (3):

Labcorp Genetics (formerly Invitae), Labcorp
Classification: Uncertain significance. Last evaluated: 2025-11-08. Review status: criteria provided, single submitter. Criteria: Invitae Variant Classification Sherloc (09022015). Collection method: clinical testing. Allele origin: germline.
Comment: This sequence change replaces valine, which is neutral and non-polar, with isoleucine, which is neutral and non-polar, at codon 21 of the FGF23 protein (p.Val21Ile). This variant is present in population databases (rs557303699, gnomAD 0.006%). This variant has not been reported in the literature in individuals affected with FGF23-related conditions. ClinVar contains an entry for this variant (Variation ID: 3574586). Invitae Evidence Modeling of protein sequence and biophysical properties (such as structural, functional, and spatial information, amino acid conservation, physicochemical variation, residue mobility, and thermodynamic stability) indicates that this missense variant is not expected to disrupt FGF23 protein function with a negative predictive value of 95%. In summary, the available evidence is currently insufficient to determine the role of this variant in disease. Therefore, it has been classified as a Variant of Uncertain Significance.

Ambry Genetics
Classification: Uncertain significance for Inborn genetic diseases. Last evaluated: 2025-09-27. Review status: criteria provided, single submitter. Criteria: Ambry Variant Classification Scheme 2023. Collection method: clinical testing. Allele origin: germline.

Fulgent Genetics
Classification: Uncertain significance for Autosomal dominant hypophosphatemic rickets; Tumoral calcinosis, hyperphosphatemic, familial, 2. Last evaluated: 2024-01-09. Review status: criteria provided, single submitter. Criteria: ACMG Guidelines, 2015. Collection method: clinical testing. Allele origin: germline.